The following is an entry in ClinVar:

NM_031935.3(HMCN1):c.1132A>G (p.Lys378Glu)

Gene: HMCN1 (hemicentin 1; plus strand). Cytogenetic location: 1q31.1.
Variant type: single nucleotide variant.
Coding change: c.1132A>G on transcript NM_031935.3 (MANE Select); coding-DNA position 1132, A replaced by G.
Protein change: p.Lys378Glu; replaces lysine 378 with glutamic acid.
Molecular consequence: missense variant.
Genome position (GRCh38, 1-based): chr1:185,923,500, A>G. VCF-style: chr1-185923500-A-G. GRCh37 (hg19) VCF-style: chr1-185892632-A-G.
Other names: short protein forms K378E.
Identifiers: ClinVar variation 2103682 (VCV002103682.4), dbSNP rs2527113425, ClinGen allele CA343893280.

ClinVar aggregate classification (germline): Uncertain significance (1 of 4 stars; one submission).

Submission:

Labcorp Genetics (formerly Invitae), Labcorp
Classification: Uncertain significance. Last evaluated: 2025-03-03. Review status: criteria provided, single submitter. Criteria: Invitae Variant Classification Sherloc (09022015). Collection method: clinical testing. Allele origin: germline.
Comment: This sequence change replaces lysine, which is basic and polar, with glutamic acid, which is acidic and polar, at codon 378 of the HMCN1 protein (p.Lys378Glu). This variant is not present in population databases (gnomAD no frequency). This variant has not been reported in the literature in individuals affected with HMCN1-related conditions. ClinVar contains an entry for this variant (Variation ID: 2103682). An algorithm developed to predict the effect of missense changes on protein structure and function (PolyPhen-2) suggests that this variant is likely to be disruptive. In summary, the available evidence is currently insufficient to determine the role of this variant in disease. Therefore, it has been classified as a Variant of Uncertain Significance.